The following is an entry in ClinVar:

NM_015937.6(PIGT):c.204C>T (p.Leu68=)

Gene: PIGT (phosphatidylinositol glycan anchor biosynthesis class T; plus strand). Cytogenetic location: 20q13.12.
Variant type: single nucleotide variant.
Coding change: c.204C>T on transcript NM_015937.6 (MANE Select); coding-DNA position 204, C replaced by T.
Protein change: p.Leu68=; no amino-acid change (leucine 68 retained).
Molecular consequence: synonymous variant. On other transcripts: non-coding transcript variant (3), intron variant (1).
Genome position (GRCh38, 1-based): chr20:45,416,533, C>T. VCF-style: chr20-45416533-C-T. GRCh37 (hg19) VCF-style: chr20-44045173-C-T.
Other names: c.204C>T, p.Leu68= (NM_001184728.3, NM_001184729.3); c.187+190C>T (NM_001184730.3).
Identifiers: ClinVar variation 1080877 (VCV001080877.10), dbSNP rs761696215, ClinGen allele CA9877825.
Genomic context (GRCh38, chr20:45,416,533, plus strand): 5'-CCGACGAGGTGGGGATCGTCACTCACCTGCTCCCGTTTCCCCAGTGTCCCATTACAGGCT[C>T]TTTCCCAAAGCCCTGGGGCAGCTGATCTCCAAGTATTCTCTACGGGAGCTGCACCTGTCA-3'
Protein context (NP_057021.2, residues 58-78): LQREGVSHYR[Leu68=]FPKALGQLIS

ClinVar aggregate classification (germline): Likely benign. Review status: criteria provided, multiple submitters, no conflicts (2 of 4 stars). 2 submissions from 2 submitters: Likely benign (2). Last evaluated 2026-07-01.

Conditions:
Multiple congenital anomalies-hypotonia-seizures syndrome 3 (MCAHS3). Also called: GLYCOSYLPHOSPHATIDYLINOSITOL BIOSYNTHESIS DEFECT 7. Identifiers: Orphanet 369837, MedGen C3809356, MONDO:0014165, OMIM 615398.

Allele frequency attached by ClinVar (database versions not stated): gnomAD 0.00001; ExAC 0.00006; TOPMed 0.00006.
gnomAD v4.1: 49 of 1,614,010 alleles (0.003%); highest among the groups gnomAD compares: Admixed American, 0.045%; no homozygotes.

Submissions (2):

CeGaT Center for Human Genetics Tuebingen
Classification: Likely benign. Last evaluated: 2026-07-01. Review status: criteria provided, single submitter. Criteria: CeGaT Center For Human Genetics Tuebingen Variant Classification Criteria Version 2. Collection method: clinical testing. Allele origin: germline. Affected: yes. Observed: 1 variant allele.
Comment: PIGT: BP4, BP7

Labcorp Genetics (formerly Invitae), Labcorp
Classification: Likely benign for Multiple congenital anomalies-hypotonia-seizures syndrome 3. Last evaluated: 2023-12-12. Review status: criteria provided, single submitter. Criteria: Invitae Variant Classification Sherloc (09022015). Collection method: clinical testing. Allele origin: germline.